The following is an entry in ClinVar:

NM_001143981.2(CHRDL1):c.542-8A>G

Gene: CHRDL1 (chordin like 1; minus strand). Cytogenetic location: Xq23.
Variant type: single nucleotide variant.
Coding change: c.542-8A>G on transcript NM_001143981.2 (MANE Select); 8 bases into the intron before coding-DNA position 542, A replaced by G.
Molecular consequence: intron variant.
Genome position (GRCh38, 1-based): chrX:110,700,729, T>C on the plus strand (A>G on the coding strand, the complement: CHRDL1 is on the minus strand). VCF-style: chrX-110700729-T-C. GRCh37 (hg19) VCF-style: chrX-109943957-T-C.
Other names: c.302-8A>G (NM_001143983.3); c.539-8A>G (NM_001367207.1, NM_001143982.2, NM_145234.4); c.542-8A>G (NM_001367208.1, NM_001367206.1, NM_001367205.1 and 2 more transcripts).
Identifiers: ClinVar variation 429579 (VCV000429579.3), dbSNP rs1131691468, ClinGen allele CA645369761.
Genomic context (GRCh38, chrX:110,700,729, plus strand): 5'-AGGTTGCCGGAAGATATCACCATCAGAATGTTCCCATGACAGTTCTCCATCTCCTGTTTA[T>C]TAAAAAGAAATAAGGAGAAAATCATACATTCATAAAAGGGAAAGTTATCACCCTTGTGAC-3'

ClinVar aggregate classification (germline): Conflicting classifications of pathogenicity. Review status: criteria provided, conflicting classifications (1 of 4 stars). 2 submissions from 2 submitters: Likely pathogenic (1); Uncertain significance (1). Last evaluated 2025-09-15.

Conditions:
Inborn genetic diseases. Identifiers: MedGen C0950123, MeSH D030342.

Submissions (2):

Ambry Genetics
Classification: Uncertain significance for Inborn genetic diseases. Last evaluated: 2025-09-15. Review status: criteria provided, single submitter. Criteria: Ambry Variant Classification Scheme 2023. Collection method: clinical testing. Allele origin: germline.
Comment: The c.542-8A>G intronic alteration results from an A to G substitution 8 nucleotides before exon 7 (coding exon 6) of the CHRDL1 gene. This variant was not reported in population-based cohorts in the Genome Aggregation Database (gnomAD). This nucleotide position is well conserved in available vertebrate species. In silico splice site analysis predicts that this alteration will weaken the native splice acceptor site and will result in the creation or strengthening of a novel splice acceptor site. Based on insufficient or conflicting evidence, the clinical significance of this alteration remains unclear.

GeneDx
Classification: Likely pathogenic. Last evaluated: 2015-10-26. Review status: criteria provided, single submitter. Criteria: GeneDx Variant Classification (06012015). Collection method: clinical testing. Allele origin: germline. Affected: yes.
Comment: The c.542-8A>C likely pathogenic variant in the CHRDL1 gene has not been reported previously as a pathogenic variant nor as a benign variant, to our knowledge. This variant is predicted to reduce the quality of the splice acceptor site in intron 6 and to create a stronger cryptic splice acceptor site upstream; the variant thus is expected to cause abnormal gene splicing. The c.542-8A>C variant was not observed in approximately 6500 individuals of European and African American ancestry in the NHLBI Exome Sequencing Project, indicating it is not a common benign variant in these populations. The c.542-8A>C variant is a strong candidate for a pathogenic variant